The following is an entry in ClinVar:

NM_000090.4(COL3A1):c.3227C>G (p.Pro1076Arg)

Gene: COL3A1 (collagen type III alpha 1 chain; plus strand). Cytogenetic location: 2q32.2.
Variant type: single nucleotide variant.
Coding change: c.3227C>G on transcript NM_000090.4 (MANE Select); coding-DNA position 3227, C replaced by G.
Protein change: p.Pro1076Arg; replaces proline 1076 with arginine.
Molecular consequence: missense variant.
Genome position (GRCh38, 1-based): chr2:189,006,962, C>G. VCF-style: chr2-189006962-C-G. GRCh37 (hg19) VCF-style: chr2-189871688-C-G.
Other names: short protein forms P1076R.
Identifiers: ClinVar variation 1723723 (VCV001723723.8), dbSNP rs1688599171, ClinGen allele CA349845275.
Genomic context (GRCh38, chr2:189,006,962, plus strand): 5'-GTGTATGTCTTCTCAATTGAATGTTTTCATCTTAGGGCCCTGCTGGCCCTGCTGGTGCTC[C>G]CGGTCCTGCTGGTTCCCGAGGTGCTCCTGTAAGTTTTGTCATTTTTTGGTTTTATTTTGT-3'
Protein context (NP_000081.2, residues 1066-1086): ESGPAGPAGA[Pro1076Arg]GPAGSRGAPG

ClinVar aggregate classification (germline): Uncertain significance. Review status: criteria provided, multiple submitters, no conflicts (2 of 4 stars). 4 submissions from 4 submitters: Uncertain significance (4). Last evaluated 2025-08-25.

Conditions:
Familial thoracic aortic aneurysm and aortic dissection (TAAD). Also called: Thoracic aortic aneurysms and dissections. Identifiers: Orphanet 91387, MedGen C4707243, MONDO:0019625.
Ehlers-Danlos syndrome, type 4 (EDSVASC). Also called: Ehlers-Danlos syndrome vascular type; Ehlers Danlos syndrome, ecchymotic type; Ehlers Danlos syndrome, arterial type; Ehlers Danlos syndrome, Sack-Barabas type; Ehlers-Danlos Syndrome Type IV. Identifiers: Orphanet 286, MedGen C0268338, MONDO:0017314, OMIM 130050.

Submissions (4):

Color Diagnostics, LLC DBA Color Health
Classification: Uncertain significance for Familial thoracic aortic aneurysm and aortic dissection. Last evaluated: 2025-08-25. Review status: criteria provided, single submitter. Criteria: ACMG Guidelines, 2015. Collection method: clinical testing. Allele origin: germline.
Comment: This missense variant replaces proline with arginine at codon 1076 of the COL3A1 protein. Computational prediction suggests that this variant may not impact protein structure and function. To our knowledge, functional studies have not been reported for this variant. This variant has not been reported in individuals affected with COL3A1-related disorders in the literature. This variant has not been identified in the general population by the Genome Aggregation Database (gnomAD). The available evidence is insufficient to determine the role of this variant in disease conclusively. Therefore, this variant is classified as a Variant of Uncertain Significance.

Blueprint Genetics
Classification: Uncertain significance. Last evaluated: 2024-08-02. Review status: criteria provided, single submitter. Criteria: ACMG Guidelines, 2015. Collection method: clinical testing. Allele origin: germline.

Labcorp Genetics (formerly Invitae), Labcorp
Classification: Uncertain significance for Ehlers-Danlos syndrome, type 4. Last evaluated: 2022-08-09. Review status: criteria provided, single submitter. Criteria: Invitae Variant Classification Sherloc (09022015). Collection method: clinical testing. Allele origin: germline.
Comment: This sequence change replaces proline, which is neutral and non-polar, with arginine, which is basic and polar, at codon 1076 of the COL3A1 protein (p.Pro1076Arg). This variant is not present in population databases (gnomAD no frequency). This variant has not been reported in the literature in individuals affected with COL3A1-related conditions. In summary, the available evidence is currently insufficient to determine the role of this variant in disease. Therefore, it has been classified as a Variant of Uncertain Significance. Advanced modeling of protein sequence and biophysical properties (such as structural, functional, and spatial information, amino acid conservation, physicochemical variation, residue mobility, and thermodynamic stability) performed at Invitae indicates that this missense variant is not expected to disrupt COL3A1 protein function.

GeneDx
Classification: Uncertain significance. Last evaluated: 2022-05-11. Review status: criteria provided, single submitter. Criteria: GeneDx Variant Classification Process June 2021. Collection method: clinical testing. Allele origin: germline. Affected: yes.
Comment: Not observed at significant frequency in large population cohorts (gnomAD); In silico analysis supports that this missense variant does not alter protein structure/function; Occurs in the triple helical domain at the Y position in the canonical Gly-X-Y repeat; although this variant may have an effect on normal protein folding and function, missense substitution at the Y position is not a common mechanism of disease (HGMD); Has not been previously published as pathogenic or benign to our knowledge